The following is an entry in ClinVar:

GRCh38/hg38 16p13.11(chr16:15398450-16211820)x1

Genes: ABCC1 (ATP binding cassette subfamily C member 1 (ABCC1 blood group); plus strand), MARF1 (meiosis regulator and mRNA stability factor 1; minus strand), MIR484 (microRNA 484; plus strand), MIR6506 (microRNA 6506; minus strand), MPV17L (MPV17 mitochondrial inner membrane protein like; plus strand) and 20 more. Cytogenetic location: 16p13.11.
Variant type: copy number loss.
Change: copy number 1 (one copy instead of two) of chr16:15,398,450-16,211,820 (813.4 kb, GRCh38 coordinates, 1-based), cytogenetic band 16p13.11.
Identifiers: ClinVar variation 145054 (VCV000145054.3).

ClinVar aggregate classification (germline): Pathogenic/Likely pathogenic (0 of 4 stars; one submission).

Submission:

ISCA Site 6
Classification: Pathogenic/Likely pathogenic. Last evaluated: 2010-11-30. Review status: no assertion criteria provided. Collection method: clinical testing. Allele origin: unknown. Affected: yes. Observed: 2 variant alleles.
Comment: Pathogenic(1), Likely pathogenic(1)

Copy number variation identified through the course of routine clinical cytogenomic testing in postnatal populations, with clinical assertions as classified by the original submitter.